The following is an entry in ClinVar:

ClinVar aggregate classification (germline): Pathogenic (1 of 4 stars; one submission).

Submission:

Labcorp Genetics (formerly Invitae), Labcorp
Classification: Pathogenic. Last evaluated: 2023-03-26. Review status: criteria provided, single submitter. Criteria: Invitae Variant Classification Sherloc (09022015). Collection method: clinical testing. Allele origin: germline.
Comment: This sequence change affects an acceptor splice site in intron 18 of the HPS5 gene. It is expected to disrupt RNA splicing. Variants that disrupt the donor or acceptor splice site typically lead to a loss of protein function (PMID: 16199547), and loss-of-function variants in HPS5 are known to be pathogenic (PMID: 12548288, 15296495, 21833017, 26785811). For these reasons, this variant has been classified as Pathogenic. Algorithms developed to predict the effect of sequence changes on RNA splicing suggest that this variant may disrupt the consensus splice site. Disruption of this splice site has been observed in individual(s) with Hermansky-Pudlak syndrome (PMID: 32725903). This variant is not present in population databases (gnomAD no frequency).

Literature cited by the submitters: PubMed 16199547; PubMed 12548288; PubMed 15296495; PubMed 21833017; PubMed 26785811; PubMed 32725903.

NM_181507.2(HPS5):c.2718-2A>C

Gene: HPS5 (HPS5 biogenesis of lysosomal organelles complex 2 subunit 2; minus strand). Cytogenetic location: 11p15.1.
Variant type: single nucleotide variant.
Coding change: c.2718-2A>C on transcript NM_181507.2 (MANE Select); the canonical splice acceptor site of the intron before coding-DNA position 2718, A replaced by C.
Molecular consequence: splice acceptor variant. On other transcripts: intron variant (2).
Genome position (GRCh38, 1-based): chr11:18,286,712, T>G on the plus strand (A>C on the coding strand, the complement: HPS5 is on the minus strand). VCF-style: chr11-18286712-T-G. GRCh37 (hg19) VCF-style: chr11-18308259-T-G.
Other names: c.2304-2A>C (NM_001440929.1, NM_001440928.1, NM_001440927.1); c.2376-2A>C (NM_181508.2, NM_001440921.1, NM_001440926.1 and 6 more transcripts); c.2607-2A>C (NM_001440915.1, NM_001440914.1, NM_001440913.1); c.1863-2A>C (NM_001440931.1); c.2562-2A>C (NM_001440917.1); c.2718-2A>C (NM_001440906.1, NM_001440905.1, NM_001440903.1 and 2 more transcripts); c.2643-2A>C (NM_001440907.1, NM_001440909.1, NM_001440908.1); c.2375+823A>C (NM_001440930.1); and 3 more.
Identifiers: ClinVar variation 2849767 (VCV002849767.3), dbSNP rs2494478049, ClinGen allele CA379517222.